The following is an entry in ClinVar:

ClinVar aggregate classification (germline): Benign (0 of 4 stars; one submission).

Conditions:
VWA2-related disorder. Also called: VWA2-related condition.

Allele frequency attached by ClinVar (database versions not stated): 1000 Genomes Project 30x 0.00453; 1000 Genomes Project 0.00459; TOPMed 0.00750; gnomAD 0.00915; ExAC 0.01065; ESP Exome Variant Server 0.01161.
gnomAD v4.1: 20,765 of 1,613,920 alleles (1.3%); highest among the groups gnomAD compares: Non-Finnish European, 1.6%; 170 homozygotes.

Submission:

PreventionGenetics, part of Exact Sciences
Classification: Benign for VWA2-related condition. Last evaluated: 2022-10-13. Review status: no assertion criteria provided. Collection method: clinical testing. Allele origin: germline.
Comment: This variant is classified as benign based on ACMG/AMP sequence variant interpretation guidelines (Richards et al. 2015 PMID: 25741868, with internal and published modifications).

NM_001272046.2(VWA2):c.738G>A (p.Thr246=)

Gene: VWA2 (von Willebrand factor A domain containing 2; plus strand). Cytogenetic location: 10q25.3.
Variant type: single nucleotide variant.
Coding change: c.738G>A on transcript NM_001272046.2 (MANE Select); coding-DNA position 738, G replaced by A.
Protein change: p.Thr246=; no amino-acid change (threonine 246 retained).
Molecular consequence: synonymous variant.
Genome position (GRCh38, 1-based): chr10:114,278,756, G>A. VCF-style: chr10-114278756-G-A. GRCh37 (hg19) VCF-style: chr10-116038515-G-A.
Other names: c.738G>A, p.Thr246= (NM_001320804.1).
Identifiers: ClinVar variation 3042390 (VCV003042390.2), dbSNP rs141503948, ClinGen allele CA5700447.